The following is an entry in ClinVar:

NM_198428.3(BBS9):c.1610C>T (p.Pro537Leu)

Gene: BBS9 (Bardet-Biedl syndrome 9; plus strand). Cytogenetic location: 7p14.3.
Variant type: single nucleotide variant.
Coding change: c.1610C>T on transcript NM_198428.3 (MANE Select); coding-DNA position 1610, C replaced by T.
Protein change: p.Pro537Leu; replaces proline 537 with leucine.
Molecular consequence: missense variant. On other transcripts: non-coding transcript variant (3).
Genome position (GRCh38, 1-based): chr7:33,357,912, C>T. VCF-style: chr7-33357912-C-T. GRCh37 (hg19) VCF-style: chr7-33397524-C-T.
Other names: c.1610C>T (NM_198428.2); c.1505C>T, p.Pro502Leu (NM_001033604.2); c.1595C>T, p.Pro532Leu (NM_001033605.2); c.1610C>T, p.Pro537Leu (NM_001348036.1, NM_001348041.4, NM_001348043.3 and 3 more transcripts); c.1244C>T, p.Pro415Leu (NM_001348037.3, NM_001348045.3, NM_001348046.3); c.1337C>T, p.Pro446Leu (NM_001348038.3); c.1232C>T, p.Pro411Leu (NM_001348039.3); c.1490C>T, p.Pro497Leu (NM_001348040.3, NM_014451.4); and 2 more; short protein forms P446L, P492L, P497L, P411L, P502L, P415L, P532L, P537L.
Identifiers: ClinVar variation 1895693 (VCV001895693.5), dbSNP rs1486252113, ClinGen allele CA367252150.
Genomic context (GRCh38, chr7:33,357,912, plus strand): 5'-TAGGCATTCCGCGAGTTATCCAATGTAAATTTAGACTTCCCCTAAAGTTAATTTGCCTAC[C>T]AGGTCAGCCTTCAAAAACTGCAAGCCACAAAATTACTATTGATACCAACAAATCTCCAGT-3'
Protein context (NP_940820.1, residues 527-547): FRLPLKLICL[Pro537Leu]GQPSKTASHK

ClinVar aggregate classification (germline): Uncertain significance. Review status: criteria provided, multiple submitters, no conflicts (2 of 4 stars). 4 submissions from 4 submitters: Uncertain significance (3). 1 of the submissions does not count toward it. Last evaluated 2025-08-20.

Conditions:
Bardet-Biedl syndrome (BBS). Identifiers: Orphanet 110, MedGen C0752166, MONDO:0015229.
Inborn genetic diseases. Identifiers: MedGen C0950123, MeSH D030342.
Bardet-Biedl syndrome 9 (BBS9). Identifiers: Orphanet 110, MedGen C1859567, MONDO:0014437, OMIM 615986.
BBS9-related disorder. Also called: BBS9-related condition.

Allele frequency attached by ClinVar (database versions not stated): gnomAD exomes 0.00002; gnomAD 0.00009; TOPMed 0.00009.

Submissions (4):

Ambry Genetics
Classification: Uncertain significance for Inborn genetic diseases. Last evaluated: 2025-08-20. Review status: criteria provided, single submitter. Criteria: Ambry Variant Classification Scheme 2023. Collection method: clinical testing. Allele origin: germline.

Fulgent Genetics
Classification: Uncertain significance for Bardet-Biedl syndrome 9. Last evaluated: 2024-02-09. Review status: criteria provided, single submitter. Criteria: ACMG Guidelines, 2015. Collection method: clinical testing. Allele origin: germline.

Labcorp Genetics (formerly Invitae), Labcorp
Classification: Uncertain significance for Bardet-Biedl syndrome. Last evaluated: 2022-03-23. Review status: criteria provided, single submitter. Criteria: Invitae Variant Classification Sherloc (09022015). Collection method: clinical testing. Allele origin: germline.
Comment: This sequence change replaces proline, which is neutral and non-polar, with leucine, which is neutral and non-polar, at codon 537 of the BBS9 protein (p.Pro537Leu). This variant is present in population databases (no rsID available, gnomAD 0.04%). This variant has not been reported in the literature in individuals affected with BBS9-related conditions. Algorithms developed to predict the effect of missense changes on protein structure and function are either unavailable or do not agree on the potential impact of this missense change (SIFT: "Deleterious"; PolyPhen-2: "Probably Damaging"; Align-GVGD: "Class C0"). In summary, the available evidence is currently insufficient to determine the role of this variant in disease. Therefore, it has been classified as a Variant of Uncertain Significance.

PreventionGenetics, part of Exact Sciences
Classification: Uncertain significance for BBS9-related condition. Last evaluated: 2024-01-02. Review status: no assertion criteria provided. Collection method: clinical testing. Allele origin: germline. Not counted in ClinVar's aggregate classification.
Comment: The BBS9 c.1610C>T variant is predicted to result in the amino acid substitution p.Pro537Leu. To our knowledge, this variant has not been reported in the literature. This variant is reported in 0.041% of alleles in individuals of Latino descent in gnomAD. At this time, the clinical significance of this variant is uncertain due to the absence of conclusive functional and genetic evidence.